The following is an entry in ClinVar:

NM_000709.4(BCKDHA):c.359A>G (p.Tyr120Cys)

Gene: BCKDHA (branched chain keto acid dehydrogenase E1 subunit alpha; plus strand). Cytogenetic location: 19q13.2.
Variant type: single nucleotide variant.
Coding change: c.359A>G on transcript NM_000709.4 (MANE Select); coding-DNA position 359, A replaced by G.
Protein change: p.Tyr120Cys; replaces tyrosine 120 with cysteine.
Molecular consequence: missense variant.
Genome position (GRCh38, 1-based): chr19:41,410,993, A>G. VCF-style: chr19-41410993-A-G. GRCh37 (hg19) VCF-style: chr19-41916898-A-G.
Other names: c.359A>G, p.Tyr120Cys (NM_001164783.2); short protein forms Y120C.
Identifiers: ClinVar variation 934307 (VCV000934307.5), dbSNP rs764284154, ClinGen allele CA9461096.

ClinVar aggregate classification (germline): Uncertain significance. Review status: criteria provided, single submitter (1 of 4 stars). 2 submissions from 2 submitters: Uncertain significance (1). 1 of the submissions does not count toward it. Last evaluated 2021-08-27.

Conditions:
Maple syrup urine disease (MSUD). Identifiers: Orphanet 511, MedGen C0024776, MeSH D008375, MONDO:0009563. Disease mechanism: loss of function.
Maple syrup urine disease type 1A (MSUD1A). Also called: MSUD type 1A. Identifiers: MedGen C1855369, MONDO:0023691, OMIM 248600.

Allele frequency attached by ClinVar (database versions not stated): gnomAD exomes below 0.00001 and 0.00001; TOPMed below 0.00001; gnomAD 0.00001; ExAC 0.00002.
gnomAD v4.1: 15 of 1,613,976 alleles (0.00093%); highest among the groups gnomAD compares: Non-Finnish European, 0.00034%; no homozygotes.

Submissions (2):

Labcorp Genetics (formerly Invitae), Labcorp
Classification: Uncertain significance for Maple syrup urine disease. Last evaluated: 2021-08-27. Review status: criteria provided, single submitter. Criteria: Invitae Variant Classification Sherloc (09022015). Collection method: clinical testing. Allele origin: germline.
Comment: This sequence change replaces tyrosine with cysteine at codon 120 of the BCKDHA protein (p.Tyr120Cys). The tyrosine residue is highly conserved and there is a large physicochemical difference between tyrosine and cysteine. This variant is present in population databases (rs764284154, ExAC 0.003%). This variant has not been reported in the literature in individuals affected with BCKDHA-related conditions. Algorithms developed to predict the effect of missense changes on protein structure and function (SIFT, PolyPhen-2, Align-GVGD) all suggest that this variant is likely to be disruptive. Algorithms developed to predict the effect of sequence changes on RNA splicing suggest that this variant may create or strengthen a splice site. In summary, the available evidence is currently insufficient to determine the role of this variant in disease. Therefore, it has been classified as a Variant of Uncertain Significance.

Natera, Inc.
Classification: Uncertain significance for Maple syrup urine disease type 1A. Last evaluated: 2021-09-21. Review status: no assertion criteria provided. Collection method: clinical testing. Allele origin: germline. Not counted in ClinVar's aggregate classification.